The following is an entry in ClinVar:

ClinVar aggregate classification (germline): Likely benign (1 of 4 stars; one submission).

gnomAD v4.1: 1 of 1,011,682 alleles (0.000099%); highest among the groups gnomAD compares: Non-Finnish European, 0.00012%; no homozygotes.

Submission:

CeGaT Center for Human Genetics Tuebingen
Classification: Likely benign. Last evaluated: 2026-05-01. Review status: criteria provided, single submitter. Criteria: CeGaT Center For Human Genetics Tuebingen Variant Classification Criteria Version 2. Collection method: clinical testing. Allele origin: germline. Affected: yes. Observed: 1 variant allele.
Comment: TCF15: BP4, BP7

NM_004609.4(TCF15):c.12G>A (p.Ala4=)

Gene: TCF15 (transcription factor 15; minus strand). Cytogenetic location: 20p13.
Variant type: single nucleotide variant.
Coding change: c.12G>A on transcript NM_004609.4 (MANE Select); coding-DNA position 12, G replaced by A.
Protein change: p.Ala4=; no amino-acid change (alanine 4 retained).
Molecular consequence: synonymous variant.
Genome position (GRCh38, 1-based): chr20:610,226, C>T on the plus strand (G>A on the coding strand, the complement: TCF15 is on the minus strand). VCF-style: chr20-610226-C-T. GRCh37 (hg19) VCF-style: chr20-590870-C-T.
Identifiers: ClinVar variation 4872828 (VCV004872828.2).